The following is an entry in ClinVar:

ClinVar aggregate classification (germline): Pathogenic (1 of 4 stars; one submission).

Conditions:
Bethlem myopathy 2 (BTHLM2). Identifiers: Orphanet 536516, Orphanet 610, MedGen C4225313, MONDO:0034022, OMIM 616471.
Ullrich congenital muscular dystrophy 2 (UCMD2). Identifiers: Orphanet 75840, MedGen C4225314, MONDO:0014654, OMIM 616470.

Submission:

Labcorp Genetics (formerly Invitae), Labcorp
Classification: Pathogenic for Bethlem myopathy 2; Ullrich congenital muscular dystrophy 2. Last evaluated: 2019-10-17. Review status: criteria provided, single submitter. Criteria: Invitae Variant Classification Sherloc (09022015). Collection method: clinical testing. Allele origin: germline.
Comment: This variant is not present in population databases (ExAC no frequency). For these reasons, this variant has been classified as Pathogenic. Loss-of-function variants in COL12A1 are known to be pathogenic (PMID: 24334604, 28973083). This variant has not been reported in the literature in individuals with COL12A1-related conditions. This sequence change creates a premature translational stop signal (p.Ile1393Phefs*11) in the COL12A1 gene. It is expected to result in an absent or disrupted protein product.

Literature cited by the submitters: PubMed 24334604; PubMed 28973083.

NM_004370.6(COL12A1):c.4177del (p.Ile1393fs)

Gene: COL12A1 (collagen type XII alpha 1 chain; minus strand). Cytogenetic location: 6q13.
Variant type: Deletion.
Coding change: c.4177del on transcript NM_004370.6 (MANE Select); coding-DNA position 4177, one base deleted (A; older notation c.4177delA).
Protein change: p.Ile1393fs; shifts the reading frame from isoleucine 1393.
Molecular consequence: frameshift variant.
Genome position (GRCh38, 1-based): chr6:75,148,468, T deleted on the plus strand (A on the coding strand, the reverse complement: COL12A1 is on the minus strand). VCF-style (leftmost placement, unchanged base first): chr6-75148467-AT-A. GRCh37 (hg19) VCF-style: chr6-75858183-AT-A.
Other names: c.685del, p.Ile229fs (NM_080645.3); short protein forms I1393fs, I229fs.
Identifiers: ClinVar variation 861370 (VCV000861370.10), dbSNP rs1767314344, ClinGen allele CA916082876.
Genomic context (GRCh38, chr6:75,148,467, plus strand): 5'-TCCACACTGTCAGAAGGTGGTGTCCAGCTCACTCTAAAAGAACGATGGGTTCGCTCAGAA[AT>A]AACTAAGTTAGAAGGTGCTTCCAAATCACCTACACATGGAAATAAAGGGTATACACTTTT-3'